The following is an entry in ClinVar:

NM_004004.6(GJB2):c.161del (p.Asn54fs)

Gene: GJB2 (gap junction protein beta 2; minus strand). Cytogenetic location: 13q12.11.
Variant type: Deletion.
Coding change: c.161del on transcript NM_004004.6 (MANE Select); coding-DNA position 161, one base deleted (A; older notation c.161delA).
Protein change: p.Asn54fs; shifts the reading frame from asparagine 54.
Molecular consequence: frameshift variant.
Genome position (GRCh38, 1-based): chr13:20,189,421, T deleted on the plus strand (A on the coding strand, the reverse complement: GJB2 is on the minus strand); the first of 2 consecutive T bases (chr13:20,189,421-20,189,422); deleting either gives the same sequence. VCF-style (leftmost placement, unchanged base first): chr13-20189420-GT-G. GRCh37 (hg19) VCF-style: chr13-20763559-GT-G.
Other names: short protein forms N54fs.
Identifiers: ClinVar variation 3601142 (VCV003601142.1).

ClinVar aggregate classification (germline): Pathogenic (1 of 4 stars; one submission).

Conditions:
Autosomal recessive nonsyndromic hearing loss 1A (DFNB1A). Also called: GJB6-Related DFNB 1 Nonsyndromic Hearing Loss and Deafness; Nonsyndromic Hearing Loss and Deafness, DFNB1; GJB2-Related Autosomal Recessive Nonsyndromic Hearing Loss; Deafness, autosomal recessive 1A; Connexin 26 deafness; Deafness nonsyndromic, Connexin 26 linked. Identifiers: Orphanet 90636, MedGen C2673759, MONDO:0009076, OMIM 220290.

Submission:

Institute of Rare Diseases, West China Hospital, Sichuan University
Classification: Pathogenic for Autosomal recessive nonsyndromic hearing loss 1A. Last evaluated: 2025-01-09. Review status: criteria provided, single submitter. Criteria: ClinGen HL ACMG Specifications v1. Collection method: research. Allele origin: germline. Affected: yes.
Comment: PVS1;PM3;PM2_Supporting